The following is an entry in ClinVar:

ClinVar aggregate classification (germline): Uncertain significance. Review status: criteria provided, multiple submitters, no conflicts (2 of 4 stars). 2 submissions from 2 submitters: Uncertain significance (2). Last evaluated 2026-06-16.

Conditions:
Melanoma, cutaneous malignant, susceptibility to, 8. Also called: MELANOMA AND RENAL CELL CARCINOMA, SUSCEPTIBILITY TO; Cutaneous malignant melanoma 8. Identifiers: Orphanet 293822, MedGen C3152204, MONDO:0013759, OMIM 614456.
MITF-related disorder. Also called: MITF-related condition.

gnomAD v4.1: 19 of 152,132 alleles (0.012%); highest among the groups gnomAD compares: African/African-American, 0.022%; no homozygotes.

Submissions (2):

PreventionGenetics, part of Exact Sciences
Classification: Uncertain significance for MITF-related condition. Last evaluated: 2026-06-16. Review status: criteria provided, single submitter. Criteria: ACMG Guidelines, 2015. Collection method: clinical testing. Allele origin: germline.
Comment: The MITF c.32C>T variant is predicted to result in the amino acid substitution p.Pro11Leu. This variant occurs in the pre-coding region of the primary MITF transcript (NM_000248.3: c.-142229C>T). To our knowledge, this variant has not been reported in the literature. This variant is reported in 0.12% of alleles in individuals of Latino descent in gnomAD, which may be too frequent to be a primary cause of disease. This variant is not reported in ClinVar. Although we suspect that this variant may be benign, the clinical significance of this variant is currently classified as uncertain due to the absence of conclusive functional and genetic evidence.

Dasa
Classification: Uncertain significance for Melanoma, cutaneous malignant, susceptibility to, 8. Last evaluated: 2026-01-14. Review status: criteria provided, single submitter. Criteria: DASA Assertion Criteria. Collection method: clinical testing. Allele origin: germline.
Comment: NM_001354607.2(MITF):c.32C>T (p.Pro11Leu) is a missense variant that results in the substitution of proline with leucine. This variant is rare in population databases. The currently available literature and clinical evidence are not sufficient to establish a definitive association between this variant and the reported condition. Therefore, this variant is classified as a variant of uncertain significance.

NM_001354604.2(MITF):c.104+54793C>T

Gene: MITF (melanocyte inducing transcription factor; plus strand). Cytogenetic location: 3p13.
Variant type: single nucleotide variant.
Coding change: c.104+54793C>T on transcript NM_001354604.2 (MANE Select); 54793 bases into the intron after coding-DNA position 104, C replaced by T.
Molecular consequence: intron variant. On other transcripts: missense variant (1).
Genome position (GRCh38, 1-based): chr3:69,794,494, C>T. VCF-style: chr3-69794494-C-T. GRCh37 (hg19) VCF-style: chr3-69843645-C-T.
Other names: c.32C>T, p.Pro11Leu (NM_001354607.2); c.-91-44100C>T (NM_001354608.2); c.104+54793C>T (NM_198159.3, NM_001354605.2, NM_001354606.2); c.-53+30802C>T (NM_001184967.2); c.101+30552C>T (NM_006722.3); short protein forms P11L.
Identifiers: ClinVar variation 3357405 (VCV003357405.4).